The following is an entry in ClinVar:

ClinVar aggregate classification (germline): Uncertain significance. Review status: criteria provided, multiple submitters, no conflicts (2 of 4 stars). 2 submissions from 2 submitters: Uncertain significance (2). Last evaluated 2024-09-03.

Conditions:
Inborn genetic diseases. Identifiers: MedGen C0950123, MeSH D030342.

Submissions (2):

Ambry Genetics
Classification: Uncertain significance for Inborn genetic diseases. Last evaluated: 2024-09-03. Review status: criteria provided, single submitter. Criteria: Ambry Variant Classification Scheme 2023. Collection method: clinical testing. Allele origin: germline.

Labcorp Genetics (formerly Invitae), Labcorp
Classification: Uncertain significance. Last evaluated: 2023-12-21. Review status: criteria provided, single submitter. Criteria: Invitae Variant Classification Sherloc (09022015). Collection method: clinical testing. Allele origin: germline.
Comment: This sequence change replaces proline, which is neutral and non-polar, with arginine, which is basic and polar, at codon 54 of the IFT74 protein (p.Pro54Arg). This variant is not present in population databases (gnomAD no frequency). This variant has not been reported in the literature in individuals affected with IFT74-related conditions. ClinVar contains an entry for this variant (Variation ID: 2041894). An algorithm developed to predict the effect of missense changes on protein structure and function (PolyPhen-2) suggests that this variant is likely to be tolerated. In summary, the available evidence is currently insufficient to determine the role of this variant in disease. Therefore, it has been classified as a Variant of Uncertain Significance.

NM_025103.4(IFT74):c.161C>G (p.Pro54Arg)

Gene: IFT74 (intraflagellar transport 74; plus strand). Cytogenetic location: 9p21.2.
Variant type: single nucleotide variant.
Coding change: c.161C>G on transcript NM_025103.4 (MANE Select); coding-DNA position 161, C replaced by G.
Protein change: p.Pro54Arg; replaces proline 54 with arginine.
Molecular consequence: missense variant.
Genome position (GRCh38, 1-based): chr9:26,978,168, C>G. VCF-style: chr9-26978168-C-G. GRCh37 (hg19) VCF-style: chr9-26978166-C-G.
Other names: c.161C>G, p.Pro54Arg (NM_001099222.3, NM_001099223.3, NM_001099224.3 and 1 more transcripts); c.161C>G (NM_001099222.1); short protein forms P54R.
Identifiers: ClinVar variation 2041894 (VCV002041894.5), dbSNP rs1428427696, ClinGen allele CA373123891.